The following is an entry in ClinVar:

ClinVar aggregate classification (germline): Likely pathogenic. Review status: criteria provided, single submitter (1 of 4 stars). 2 submissions from 2 submitters: Likely pathogenic (1). 1 of the submissions does not count toward it. Last evaluated 2026-06-11.

Conditions:
Niemann-Pick disease, type C1. Also called: NIEMANN-PICK DISEASE, VARIANT TYPE C1; NEUROVISCERAL STORAGE DISEASE WITH VERTICAL SUPRANUCLEAR OPHTHALMOPLEGIA; NIEMANN-PICK DISEASE WITH CHOLESTEROL ESTERIFICATION BLOCK; NIEMANN-PICK DISEASE WITHOUT SPHINGOMYELINASE DEFICIENCY; NIEMANN-PICK DISEASE, CHRONIC NEURONOPATHIC FORM. Identifiers: Orphanet 646, MedGen C3179455, MONDO:0009757, OMIM 257220.

Submissions (2):

Myriad Genetics, Inc.
Classification: Likely pathogenic for Niemann-Pick disease, type C1. Last evaluated: 2026-06-11. Review status: criteria provided, single submitter. Criteria: Myriad Autosomal Dominant, Autosomal Recessive and X-Linked Classification Criteria (2023). Collection method: clinical testing. Allele origin: unknown.
Comment: NM_000271.4(NPC1):c.3562delG(E1188Kfs*54) is a frameshift variant classified as likely pathogenic in the context of Niemann-Pick disease type C1. E1188Kfs*54 has been observed in cases with relevant disease (PMID: 19252935, 28222799, 33900159). Relevant functional assessments of this variant are not available in the literature. Internal structural analysis of the variant is supportive of pathogenicity. E1188Kfs*54 has been observed in referenced population frequency databases. In summary, NM_000271.4(NPC1):c.3562delG(E1188Kfs*54) is a frameshift variant that has internal structural support for pathogenicity and has been observed more frequently in cases with the relevant disease than in healthy populations. Please note: this variant was assessed in the context of healthy population screening.

Counsyl
Classification: Pathogenic for Niemann-Pick disease, type C1. Last evaluated: 2017-06-08. Review status: no assertion criteria provided. Collection method: clinical testing. Allele origin: unknown. Not counted in ClinVar's aggregate classification.

Literature cited by the submitters: PubMed 19252935 (cited by Myriad Genetics, Inc. and Counsyl); PubMed 28222799 (cited by Myriad Genetics, Inc. and Counsyl); PubMed 33900159 (cited by Myriad Genetics, Inc.).

NM_000271.5(NPC1):c.3562del (p.Glu1188fs)

Gene: NPC1 (NPC intracellular cholesterol transporter 1; minus strand). Cytogenetic location: 18q11.2.
Variant type: Deletion.
Coding change: c.3562del on transcript NM_000271.5 (MANE Select); coding-DNA position 3562, one base deleted (G; older notation c.3562delG).
Protein change: p.Glu1188fs; shifts the reading frame from glutamic acid 1188.
Molecular consequence: frameshift variant.
Genome position (GRCh38, 1-based): chr18:23,534,475, C deleted on the plus strand (G on the coding strand, the reverse complement: NPC1 is on the minus strand); the first of 2 consecutive C bases (chr18:23,534,475-23,534,476); deleting either gives the same sequence. VCF-style (leftmost placement, unchanged base first): chr18-23534474-TC-T. GRCh37 (hg19) VCF-style: chr18-21114438-TC-T.
Other names: short protein forms E1188fs.
Identifiers: ClinVar variation 552331 (VCV000552331.3), dbSNP rs758231839, ClinGen allele CA8912727.